The following is an entry in ClinVar:

NM_000334.4(SCN4A):c.2713T>A (p.Ser905Thr)

Genes: GH-LCR (growth hormone locus control region; plus strand), SCN4A (sodium voltage-gated channel alpha subunit 4; minus strand). Cytogenetic location: 17q23.3.
Variant type: single nucleotide variant.
Coding change: c.2713T>A on transcript NM_000334.4 (MANE Select); coding-DNA position 2713, T replaced by A.
Protein change: p.Ser905Thr; replaces serine 905 with threonine.
Molecular consequence: missense variant.
Genome position (GRCh38, 1-based): chr17:63,951,564, A>T on the plus strand (T>A on the coding strand, the complement: SCN4A is on the minus strand). VCF-style: chr17-63951564-A-T. GRCh37 (hg19) VCF-style: chr17-62028924-A-T.
Other names: short protein forms S905T.
Identifiers: ClinVar variation 935422 (VCV000935422.13), dbSNP rs779100982, ClinGen allele CA8709513.
Genomic context (GRCh38, chr17:63,951,564, plus strand): 5'-GCACCTGTATGGTCAGGTAGGGGTTGTTGATGAAGTTAAGGTGGTCCAGCTCGAGGCTGG[A>T]TGGGGGGCCGTCAGCCAGGCCCATGTGGTTCAGGATGTGATTGTCCTTCTTCAGGTCCTC-3'
Protein context (NP_000325.4, residues 895-915): NHMGLADGPP[Ser905Thr]SLELDHLNFI

ClinVar aggregate classification (germline): Uncertain significance. Review status: criteria provided, multiple submitters, no conflicts (2 of 4 stars). 3 submissions from 3 submitters: Uncertain significance (3). Last evaluated 2026-02-23.

Conditions:
Inborn genetic diseases. Identifiers: MedGen C0950123, MeSH D030342.
Hyperkalemic periodic paralysis. Also called: Familial hyperkalemic periodic paralysis; Gamstorp disease. Identifiers: Orphanet 682, MedGen C0238357, MONDO:0008224, OMIM 170500, HP:0007215.

Allele frequency attached by ClinVar (database versions not stated): ExAC 0.00001; gnomAD exomes 0.00001.

Submissions (3):

Ambry Genetics
Classification: Uncertain significance for Inborn genetic diseases. Last evaluated: 2026-02-23. Review status: criteria provided, single submitter. Criteria: Ambry Variant Classification Scheme 2023. Collection method: clinical testing. Allele origin: germline.

Labcorp Genetics (formerly Invitae), Labcorp
Classification: Uncertain significance for Hyperkalemic periodic paralysis. Last evaluated: 2022-02-04. Review status: criteria provided, single submitter. Criteria: Invitae Variant Classification Sherloc (09022015). Collection method: clinical testing. Allele origin: germline.
Comment: In summary, the available evidence is currently insufficient to determine the role of this variant in disease. Therefore, it has been classified as a Variant of Uncertain Significance. Algorithms developed to predict the effect of missense changes on protein structure and function output the following: SIFT: "Tolerated"; PolyPhen-2: "Benign"; Align-GVGD: "Class C0". The threonine amino acid residue is found in multiple mammalian species, which suggests that this missense change does not adversely affect protein function. ClinVar contains an entry for this variant (Variation ID: 935422). This variant has not been reported in the literature in individuals affected with SCN4A-related conditions. This variant is present in population databases (rs779100982, gnomAD 0.006%). This sequence change replaces serine, which is neutral and polar, with threonine, which is neutral and polar, at codon 905 of the SCN4A protein (p.Ser905Thr).

GeneDx
Classification: Uncertain significance. Last evaluated: 2021-10-28. Review status: criteria provided, single submitter. Criteria: GeneDx Variant Classification Process June 2021. Collection method: clinical testing. Allele origin: germline. Affected: yes.
Comment: Not observed at significant frequency in large population cohorts (Lek et al., 2016); In silico analysis supports that this missense variant does not alter protein structure/function; Has not been previously published as pathogenic or benign to our knowledge